The following is an entry in ClinVar:

NM_000061.3(BTK):c.1076T>C (p.Ile359Thr)

Gene: BTK (Bruton tyrosine kinase; minus strand). Cytogenetic location: Xq22.1.
Variant type: single nucleotide variant.
Coding change: c.1076T>C on transcript NM_000061.3 (MANE Select); coding-DNA position 1076, T replaced by C.
Protein change: p.Ile359Thr; replaces isoleucine 359 with threonine.
Molecular consequence: missense variant. On other transcripts: intron variant (1).
Genome position (GRCh38, 1-based): chrX:101,358,336, A>G on the plus strand (T>C on the coding strand, the complement: BTK is on the minus strand). VCF-style: chrX-101358336-A-G. GRCh37 (hg19) VCF-style: chrX-100613324-A-G.
Other names: c.1178T>C, p.Ile393Thr (NM_001287344.2); c.1038+38T>C (NM_001287345.2); short protein forms I359T, I393T.
Identifiers: ClinVar variation 1997413 (VCV001997413.4), dbSNP rs2520570662, ClinGen allele CA413927770.

ClinVar aggregate classification (germline): Likely pathogenic (1 of 4 stars; one submission).

Conditions:
X-linked agammaglobulinemia with growth hormone deficiency (IGHD3). Also called: ISOLATED GROWTH HORMONE DEFICIENCY, TYPE III, WITH AGAMMAGLOBULINEMIA; AGAMMAGLOBULINEMIA AND ISOLATED GROWTH HORMONE DEFICIENCY, X-LINKED; FLEISHER SYNDROME; HYPOGAMMAGLOBULINEMIA AND ISOLATED GROWTH HORMONE DEFICIENCY, X-LINKED; IGHD III; Isolated growth hormone deficiency type 3. Identifiers: Orphanet 231692, Orphanet 631, MedGen C0472813, MONDO:0010615, OMIM 307200.

Submission:

Labcorp Genetics (formerly Invitae), Labcorp
Classification: Likely pathogenic for X-linked agammaglobulinemia with growth hormone deficiency. Last evaluated: 2022-05-21. Review status: criteria provided, single submitter. Criteria: Invitae Variant Classification Sherloc (09022015). Collection method: clinical testing. Allele origin: germline.
Comment: This variant disrupts the p.Ile359 amino acid residue in BTK. Other variant(s) that disrupt this residue have been observed in individuals with BTK-related conditions (PMID: 26931785; Invitae), which suggests that this may be a clinically significant amino acid residue. Advanced modeling of protein sequence and biophysical properties (such as structural, functional, and spatial information, amino acid conservation, physicochemical variation, residue mobility, and thermodynamic stability) performed at Invitae indicates that this missense variant is expected to disrupt BTK protein function. This missense change has been observed in individual(s) with clinical features of X-linked recessive agammaglobulinemia (Invitae). This variant is not present in population databases (gnomAD no frequency). This sequence change replaces isoleucine, which is neutral and non-polar, with threonine, which is neutral and polar, at codon 359 of the BTK protein (p.Ile359Thr). In summary, the currently available evidence indicates that the variant is pathogenic, but additional data are needed to prove that conclusively. Therefore, this variant has been classified as Likely Pathogenic.

Literature cited by the submitters: PubMed 26931785.